The following is an entry in ClinVar:

NM_003114.5(SPAG1):c.1914C>T (p.Asn638=)

Gene: SPAG1 (sperm associated antigen 1; plus strand). Cytogenetic location: 8q22.2.
Variant type: single nucleotide variant.
Coding change: c.1914C>T on transcript NM_003114.5 (MANE Select); coding-DNA position 1914, C replaced by T.
Protein change: p.Asn638=; no amino-acid change (asparagine 638 retained).
Molecular consequence: synonymous variant.
Genome position (GRCh38, 1-based): chr8:100,231,214, C>T. VCF-style: chr8-100231214-C-T. GRCh37 (hg19) VCF-style: chr8-101243442-C-T.
Other names: c.1914C>T, p.Asn638= (NM_001374321.1, NM_172218.3).
Identifiers: ClinVar variation 751203 (VCV000751203.12), dbSNP rs150646410, ClinGen allele CA4827624.

ClinVar aggregate classification (germline): Likely benign. Review status: criteria provided, single submitter (1 of 4 stars). 2 submissions from 2 submitters: Likely benign (1). 1 of the submissions does not count toward it. Last evaluated 2024-03-20.

Conditions:
SPAG1-related disorder. Also called: SPAG1-related condition.
Primary ciliary dyskinesia 28. Also called: CILIARY DYSKINESIA, PRIMARY, 28, WITH OR WITHOUT SITUS INVERSUS. Identifiers: Orphanet 244, MedGen C3809706, MONDO:0014216, OMIM 615505.

Allele frequency attached by ClinVar (database versions not stated): gnomAD 0.00001 and 0.00002; ExAC 0.00002; gnomAD exomes below 0.00001; TOPMed 0.00002; ESP Exome Variant Server 0.00023.
gnomAD v4.1: 2 of 1,607,162 alleles (0.00012%); highest among the groups gnomAD compares: African/African-American, 0.0027%; no homozygotes.

Submissions (2):

Labcorp Genetics (formerly Invitae), Labcorp
Classification: Likely benign for Primary ciliary dyskinesia 28. Last evaluated: 2024-03-20. Review status: criteria provided, single submitter. Criteria: Invitae Variant Classification Sherloc (09022015). Collection method: clinical testing. Allele origin: germline.

PreventionGenetics, part of Exact Sciences
Classification: Likely benign for SPAG1-related condition. Last evaluated: 2019-07-12. Review status: no assertion criteria provided. Collection method: clinical testing. Allele origin: germline. Not counted in ClinVar's aggregate classification.
Comment: This variant is classified as likely benign based on ACMG/AMP sequence variant interpretation guidelines (Richards et al. 2015 PMID: 25741868, with internal and published modifications).